The following is an entry in ClinVar:

NM_000059.4(BRCA2):c.35T>A (p.Phe12Tyr)

Gene: BRCA2 (BRCA2 DNA repair associated; plus strand). Cytogenetic location: 13q13.1.
Variant type: single nucleotide variant.
Coding change: c.35T>A on transcript NM_000059.4 (MANE Select); coding-DNA position 35, T replaced by A.
Protein change: p.Phe12Tyr; replaces phenylalanine 12 with tyrosine.
Molecular consequence: missense variant. On other transcripts: non-coding transcript variant (1), intron variant (1).
Genome position (GRCh38, 1-based): chr13:32,316,495, T>A. VCF-style: chr13-32316495-T-A. GRCh37 (hg19) VCF-style: chr13-32890632-T-A.
Other names: c.35T>A, p.Phe12Tyr (NM_001406719.1, NM_001406720.1, NM_001406721.1 and 1 more transcripts); c.-303+828T>A (NM_001406722.1); short protein forms F12Y.
Identifiers: ClinVar variation 4802256 (VCV004802256.1).
Genomic context (GRCh38, chr13:32,316,495, plus strand): 5'-GCATTGGAGGAATATCGTAGGTAAAAATGCCTATTGGATCCAAAGAGAGGCCAACATTTT[T>A]TGAAATTTTTAAGACACGCTGCAACAAAGCAGGTATTGACAAATTTTATATAACTTTATA-3'
Protein context (NP_000050.3, residues 2-22): PIGSKERPTF[Phe12Tyr]EIFKTRCNKA

ClinVar aggregate classification (germline): Uncertain significance (1 of 4 stars; one submission).

Conditions:
Hereditary breast ovarian cancer syndrome. Also called: Hereditary breast and ovarian cancer syndrome (HBOC); Hereditary breast and ovarian cancer; Breast and ovarian cancer; Hereditary breast and/or ovarian cancer syndrome; BRCA1- and BRCA2-Associated Hereditary Breast and Ovarian Cancer; Hereditary breast and ovarian cancer syndrome. Identifiers: Orphanet 145, MedGen C0677776, MeSH D061325, MONDO:0003582. Disease mechanism: loss of function.

Submission:

Labcorp Genetics (formerly Invitae), Labcorp
Classification: Uncertain significance for Hereditary breast ovarian cancer syndrome. Last evaluated: 2025-12-10. Review status: criteria provided, single submitter. Criteria: Invitae Variant Classification Sherloc (09022015). Collection method: clinical testing. Allele origin: germline.
Comment: This sequence change replaces phenylalanine, which is neutral and non-polar, with tyrosine, which is neutral and polar, at codon 12 of the BRCA2 protein (p.Phe12Tyr). This variant is not present in population databases (gnomAD no frequency). This missense change has been observed in individual(s) with breast cancer (PMID: 10464631). Invitae Evidence Modeling of protein sequence and biophysical properties (such as structural, functional, and spatial information, amino acid conservation, physicochemical variation, residue mobility, and thermodynamic stability) indicates that this missense variant is not expected to disrupt BRCA2 protein function with a negative predictive value of 95%. In summary, the available evidence is currently insufficient to determine the role of this variant in disease. Therefore, it has been classified as a Variant of Uncertain Significance.

Literature cited by the submitters: PubMed 10464631.